The following is an entry in ClinVar:

NM_000222.3(KIT):c.620-12_620-8del

Gene: KIT (KIT proto-oncogene, receptor tyrosine kinase; plus strand). Cytogenetic location: 4q12.
Variant type: Deletion.
Coding change: c.620-12_620-8del on transcript NM_000222.3 (MANE Select); 12 bases into the intron before coding-DNA position 620 through 8 bases into the intron before coding-DNA position 620, 5 bases deleted (TTTTC; older notation c.620-12_620-8delTTTTC).
Molecular consequence: intron variant.
Genome position (GRCh38, 1-based): chr4:54,699,618-54,699,622, TTTTC deleted; deleting any 5 consecutive bases within chr4:54,699,614-54,699,622 gives the same sequence; the c. name uses the placement nearest the transcript's 3' end. VCF-style (leftmost placement, unchanged base first): chr4-54699613-ATTTCT-A. GRCh37 (hg19) VCF-style: chr4-55565779-ATTTCT-A.
Other names: c.620-12_620-8del (NM_001385284.1, NM_001385290.1, NM_001385288.1 and 4 more transcripts).
Identifiers: ClinVar variation 1908869 (VCV001908869.5), dbSNP rs2475456491, ClinGen allele CA2580071097.

ClinVar aggregate classification (germline): Uncertain significance (1 of 4 stars; one submission).

Conditions:
Gastrointestinal stromal tumor. Also called: Gastrointestinal stromal tumor, somatic; Gastrointestinal stroma tumor. Identifiers: Orphanet 44890, MedGen C0238198, MeSH D046152, MONDO:0011719, OMIM 606764, HP:0100723.

Submission:

Labcorp Genetics (formerly Invitae), Labcorp
Classification: Uncertain significance for Gastrointestinal stromal tumor. Last evaluated: 2025-09-27. Review status: criteria provided, single submitter. Criteria: Invitae Variant Classification Sherloc (09022015). Collection method: clinical testing. Allele origin: germline.
Comment: This sequence change falls in intron 3 of the KIT gene. It does not directly change the encoded amino acid sequence of the KIT protein. This variant is not present in population databases (gnomAD no frequency). This variant has not been reported in the literature in individuals affected with KIT-related conditions. ClinVar contains an entry for this variant (Variation ID: 1908869). Algorithms developed to predict the effect of sequence changes on RNA splicing suggest that this variant may disrupt the consensus splice site. In summary, the available evidence is currently insufficient to determine the role of this variant in disease. Therefore, it has been classified as a Variant of Uncertain Significance.